The following is an entry in ClinVar:

ClinVar aggregate classification (germline): Uncertain significance (1 of 4 stars; one submission).

Conditions:
Combined immunodeficiency due to CTPS1 deficiency. Also called: Severe combined immunodeficiency due to CTPS1 deficiency; Immunodeficiency 24. Identifiers: Orphanet 420573, MedGen C4014617, MONDO:0014391, OMIM 615897.

Allele frequency attached by ClinVar (database versions not stated): ExAC 0.00002; gnomAD 0.00002; gnomAD exomes 0.00002; TOPMed 0.00003.
gnomAD v4.1: 30 of 1,610,274 alleles (0.0019%); highest among the groups gnomAD compares: Non-Finnish European, 0.0025%; no homozygotes.

Submissions (2):

Labcorp Genetics (formerly Invitae), Labcorp
Classification: Uncertain significance for Combined immunodeficiency due to CTPS1 deficiency. Last evaluated: 2022-08-10. Review status: criteria provided, single submitter. Criteria: Invitae Variant Classification Sherloc (09022015). Collection method: clinical testing. Allele origin: germline.
Comment: Variants that disrupt the consensus splice site are a relatively common cause of aberrant splicing (PMID: 17576681, 9536098). Algorithms developed to predict the effect of sequence changes on RNA splicing suggest that this variant may disrupt the consensus splice site. In summary, the available evidence is currently insufficient to determine the role of this variant in disease. Therefore, it has been classified as a Variant of Uncertain Significance. ClinVar contains an entry for this variant (Variation ID: 1014681). This variant has not been reported in the literature in individuals affected with CTPS1-related conditions. This variant is present in population databases (rs748205702, gnomAD 0.007%). This sequence change falls in intron 17 of the CTPS1 gene. It does not directly change the encoded amino acid sequence of the CTPS1 protein. It affects a nucleotide within the consensus splice site.

Dr. Peter K. Rogan Lab, Western University
No classification provided (evidence only). Condition: Familial cancer of breast. Review status: no classification provided. Collection method: in vitro. Allele origin: not applicable. Functional consequence: skipped exon, retained intron. Not counted in ClinVar's aggregate classification.

Literature cited by the submitters: PubMed 17576681 (cited by Labcorp Genetics (formerly Invitae), Labcorp); PubMed 9536098 (cited by Labcorp Genetics (formerly Invitae), Labcorp).

NM_001905.4(CTPS1):c.1692-3C>T

Gene: CTPS1 (CTP synthase 1; plus strand). Cytogenetic location: 1p34.2.
Variant type: single nucleotide variant.
Coding change: c.1692-3C>T on transcript NM_001905.4 (MANE Select); 3 bases into the intron before coding-DNA position 1692, C replaced by T.
Molecular consequence: intron variant.
Genome position (GRCh38, 1-based): chr1:41,010,158, C>T. VCF-style: chr1-41010158-C-T. GRCh37 (hg19) VCF-style: chr1-41475830-C-T.
Other names: c.1224-3C>T (NM_001301237.2).
Identifiers: ClinVar variation 1014681 (VCV001014681.11), dbSNP rs748205702, ClinGen allele CA795605.